The following is an entry in ClinVar:

ClinVar aggregate classification (germline): Pathogenic (1 of 4 stars; one submission).

Conditions:
Inborn genetic diseases. Identifiers: MedGen C0950123, MeSH D030342.

Submission:

Ambry Genetics
Classification: Pathogenic for Inborn genetic diseases. Last evaluated: 2025-07-18. Review status: criteria provided, single submitter. Criteria: Ambry Variant Classification Scheme 2023. Collection method: clinical testing. Allele origin: germline.
Comment: The c.2269C>T (p.Q757*) alteration, located in exon 6 (coding exon 6) of the SETD1B gene, consists of a C to T substitution at nucleotide position 2269. This changes the amino acid from a glutamine (Q) to a stop codon at amino acid position 757. This alteration is expected to result in loss of function by premature protein truncation or nonsense-mediated mRNA decay. This variant was not reported in population-based cohorts in the Genome Aggregation Database (gnomAD). Based on the available evidence, this alteration is classified as pathogenic.

NM_015048.1:c.2269C>T

Gene: SETD1B (SET domain containing 1B, histone lysine methyltransferase; plus strand).
Variant type: single nucleotide variant.
Identifiers: ClinVar variation 4163152 (VCV004163152.1).